The following is an entry in ClinVar:

NM_004618.5(TOP3A):c.1012C>T (p.Arg338Ter)

Gene: TOP3A (DNA topoisomerase III alpha; minus strand). Cytogenetic location: 17p11.2.
Variant type: single nucleotide variant.
Coding change: c.1012C>T on transcript NM_004618.5 (MANE Select); coding-DNA position 1012, C replaced by T.
Protein change: p.Arg338Ter; replaces arginine 338 with a stop codon.
Molecular consequence: nonsense.
Genome position (GRCh38, 1-based): chr17:18,294,764, G>A on the plus strand (C>T on the coding strand, the complement: TOP3A is on the minus strand). VCF-style: chr17-18294764-G-A. GRCh37 (hg19) VCF-style: chr17-18198078-G-A.
Other names: c.727C>T, p.Arg243Ter (NM_001320759.2); c.1012C>T (NM_004618.3, NM_004618.4); short protein forms R243*, R338*.
Identifiers: ClinVar variation 2077535 (VCV002077535.8), dbSNP rs763986208, ClinGen allele CA8430026.

ClinVar aggregate classification (germline): Pathogenic/Likely pathogenic. Review status: criteria provided, multiple submitters, no conflicts (2 of 4 stars). 3 submissions from 3 submitters: Pathogenic (2); Likely pathogenic (1). Last evaluated 2023-10-04.

Conditions:
Inborn genetic diseases. Identifiers: MedGen C0950123, MeSH D030342.

Allele frequency attached by ClinVar (database versions not stated): gnomAD 0.00001; ExAC 0.00001; TOPMed 0.00002.
gnomAD v4.1: 6 of 1,613,668 alleles (0.00037%); highest among the groups gnomAD compares: Admixed American, 0.0033%; no homozygotes.

Submissions (3):

Genetic Services Laboratory, University of Chicago
Classification: Likely pathogenic. Last evaluated: 2023-10-04. Review status: criteria provided, single submitter. Criteria: ACMG Guidelines, 2015. Collection method: clinical testing. Allele origin: germline. Affected: yes.
Comment: DNA sequence analysis of the TOP3A gene demonstrated a sequence change, c.1012C>T, which results in the creation of a premature stop codon at amino acid position 338, p.Arg338*. This pathogenic sequence change is predicted to result in an abnormal transcript, which may be degraded, or may lead to the production of a truncated TOP3A protein with potentially abnormal function. This sequence change has been described in the gnomAD database with a frequency of 0.0065% in the South Asian subpopulation (dbSNP rs763986208). This particular sequence change has not been previously described in the literature; however, other sequence changes resulting in a premature stop codon or small frameshifting deletions have been identified in TOP3A-related disorders [PMID: 33631320, 30057030, 29290614]. These collective evidences indicate that this sequence change is likely pathogenic; however, functional studies have not been performed to prove this conclusively.

Ambry Genetics
Classification: Pathogenic for Inborn genetic diseases. Last evaluated: 2023-06-29. Review status: criteria provided, single submitter. Criteria: Ambry Variant Classification Scheme 2023. Collection method: clinical testing. Allele origin: germline.
Comment: The c.1012C>T (p.R338*) alteration, located in exon 10 (coding exon 10) of the TOP3A gene, consists of a C to T substitution at nucleotide position 1012. This changes the amino acid from a arginine (R) to a stop codon at amino acid position 338. This alteration is expected to result in loss of function by premature protein truncation or nonsense-mediated mRNA decay. Based on data from gnomAD, the T allele has an overall frequency of 0.001% (2/251264) total alleles studied. The highest observed frequency was 0.007% (2/30596) of South Asian alleles. Based on the available evidence, this alteration is classified as pathogenic.

Labcorp Genetics (formerly Invitae), Labcorp
Classification: Pathogenic. Last evaluated: 2023-06-27. Review status: criteria provided, single submitter. Criteria: Invitae Variant Classification Sherloc (09022015). Collection method: clinical testing. Allele origin: germline.
Comment: For these reasons, this variant has been classified as Pathogenic. ClinVar contains an entry for this variant (Variation ID: 2077535). This variant has not been reported in the literature in individuals affected with TOP3A-related conditions. This variant is present in population databases (rs763986208, gnomAD 0.007%). This sequence change creates a premature translational stop signal (p.Arg338*) in the TOP3A gene. It is expected to result in an absent or disrupted protein product. Loss-of-function variants in TOP3A are known to be pathogenic (PMID: 30057030).

Literature cited by the submitters: PubMed 30057030 (cited by Labcorp Genetics (formerly Invitae), Labcorp).